The following is an entry in ClinVar:

NM_001267550.2(TTN):c.46040T>G (p.Val15347Gly)

Gene: TTN (titin; minus strand). Cytogenetic location: 2q31.2.
Variant type: single nucleotide variant.
Coding change: c.46040T>G on transcript NM_001267550.2 (MANE Select); coding-DNA position 46040, T replaced by G.
Protein change: p.Val15347Gly; replaces valine 15347 with glycine.
Molecular consequence: missense variant.
Genome position (GRCh38, 1-based): chr2:178,620,481, A>C on the plus strand (T>G on the coding strand, the complement: TTN is on the minus strand). VCF-style: chr2-178620481-A-C. GRCh37 (hg19) VCF-style: chr2-179485208-A-C.
Other names: c.41117T>G, p.Val13706Gly (NM_001256850.1); c.18845T>G, p.Val6282Gly (NM_003319.4); c.38336T>G, p.Val12779Gly (NM_133378.4); c.19220T>G, p.Val6407Gly (NM_133432.3); c.19421T>G, p.Val6474Gly (NM_133437.4); short protein forms V12779G, V13706G, V15347G, V6282G, V6407G, V6474G.
Identifiers: ClinVar variation 1212719 (VCV001212719.7), dbSNP rs375367475, ClinGen allele CA1995317.

ClinVar aggregate classification (germline): Likely benign. Review status: criteria provided, multiple submitters, no conflicts (2 of 4 stars). 4 submissions from 4 submitters: Likely benign (4). Last evaluated 2025-04-10.

Conditions:
TTN-related disorder. Also called: TTN-related condition; TTN-related disease; TTN-related disorders.
Cardiomyopathy (CMYO). Also called: Cardiomyopathies. Identifiers: Orphanet 167848, MedGen C0878544, MONDO:0004994, HP:0001638. Inheritance: Various modes of inheritance.

Allele frequency attached by ClinVar (database versions not stated): gnomAD exomes 0.00004; ExAC 0.00007; 1000 Genomes Project 0.00020; TOPMed 0.00022; gnomAD 0.00023 and 0.00024; ESP Exome Variant Server 0.00025; 1000 Genomes Project 30x 0.00031.
gnomAD v4.1: 55 of 1,612,418 alleles (0.0034%); highest among the groups gnomAD compares: African/African-American, 0.069%; no homozygotes.

Submissions (4):

PreventionGenetics, part of Exact Sciences
Classification: Likely benign for TTN-related condition. Last evaluated: 2025-04-10. Review status: criteria provided, single submitter. Criteria: ACMG Guidelines, 2015. Collection method: clinical testing. Allele origin: germline.
Comment: This variant is classified as likely benign based on ACMG/AMP sequence variant interpretation guidelines (Richards et al. 2015 PMID: 25741868, with internal and published modifications).

Blueprint Genetics
Classification: Likely benign. Last evaluated: 2022-12-19. Review status: criteria provided, single submitter. Criteria: ACMG Guidelines, 2015. Collection method: clinical testing. Allele origin: germline.

CHEO Genetics Diagnostic Laboratory, Children's Hospital of Eastern Ontario
Classification: Likely benign for Cardiomyopathy. Last evaluated: 2021-09-21. Review status: criteria provided, single submitter. Criteria: ACMG Guidelines, 2015. Collection method: clinical testing. Allele origin: germline.

GeneDx
Classification: Likely benign. Last evaluated: 2021-05-19. Review status: criteria provided, single submitter. Criteria: GeneDx Variant Classification Process June 2021. Collection method: clinical testing. Allele origin: germline. Affected: yes.